The following is an entry in ClinVar:

NM_144736.5(NDUFAF7):c.468G>A (p.Glu156=)

Gene: NDUFAF7 (NADH:ubiquinone oxidoreductase complex assembly factor 7; plus strand). Cytogenetic location: 2p22.2.
Variant type: single nucleotide variant.
Coding change: c.468G>A on transcript NM_144736.5 (MANE Select); coding-DNA position 468, G replaced by A.
Protein change: p.Glu156=; no amino-acid change (glutamic acid 156 retained).
Molecular consequence: synonymous variant. On other transcripts: non-coding transcript variant (10).
Genome position (GRCh38, 1-based): chr2:37,241,637, G>A. VCF-style: chr2-37241637-G-A. GRCh37 (hg19) VCF-style: chr2-37468780-G-A.
Other names: c.387G>A, p.Glu129= (NM_001083946.2, NM_001350025.2); c.468G>A, p.Glu156= (NM_001350024.2, NM_001350027.2).
Identifiers: ClinVar variation 1927096 (VCV001927096.5), dbSNP rs2465774433, ClinGen allele CA425680773.

ClinVar aggregate classification (germline): Uncertain significance (1 of 4 stars; one submission).

Submission:

Labcorp Genetics (formerly Invitae), Labcorp
Classification: Uncertain significance. Last evaluated: 2024-03-04. Review status: criteria provided, single submitter. Criteria: Invitae Variant Classification Sherloc (09022015). Collection method: clinical testing. Allele origin: germline.
Comment: This sequence change affects codon 129 of the NDUFAF7 mRNA. It is a 'silent' change, meaning that it does not change the encoded amino acid sequence of the NDUFAF7 protein. This variant also falls at the last nucleotide of exon 4, which is part of the consensus splice site for this exon. This variant is not present in population databases (gnomAD no frequency). This variant has not been reported in the literature in individuals affected with NDUFAF7-related conditions. ClinVar contains an entry for this variant (Variation ID: 1927096). Variants that disrupt the consensus splice site are a relatively common cause of aberrant splicing (PMID: 17576681, 9536098). Algorithms developed to predict the effect of sequence changes on RNA splicing suggest that this variant may disrupt the consensus splice site. In summary, the available evidence is currently insufficient to determine the role of this variant in disease. Therefore, it has been classified as a Variant of Uncertain Significance.

Literature cited by the submitters: PubMed 17576681; PubMed 9536098.